The following is an entry in ClinVar:

NM_031229.4(RBCK1):c.434G>T (p.Arg145Leu)

Gene: RBCK1 (RANBP2-type and C3HC4-type zinc finger containing 1; plus strand). Cytogenetic location: 20p13.
Variant type: single nucleotide variant.
Coding change: c.434G>T on transcript NM_031229.4 (MANE Select); coding-DNA position 434, G replaced by T.
Protein change: p.Arg145Leu; replaces arginine 145 with leucine.
Molecular consequence: missense variant. On other transcripts: non-coding transcript variant (1).
Genome position (GRCh38, 1-based): chr20:417,904, G>T. VCF-style: chr20-417904-G-T. GRCh37 (hg19) VCF-style: chr20-398548-G-T.
Other names: c.85G>T, p.Gly29Trp (NM_001323956.2, NM_001323958.2); c.485G>T, p.Arg162Leu (NM_001410770.1); c.308G>T, p.Arg103Leu (NM_006462.6); short protein forms R103L, G29W, R162L, R145L.
Identifiers: ClinVar variation 1958660 (VCV001958660.2), dbSNP rs757874797, ClinGen allele CA9723065.

ClinVar aggregate classification (germline): Uncertain significance (1 of 4 stars; one submission).

Conditions:
Polyglucosan body myopathy type 1 (PGBM1). Also called: Polyglucosan body myopathy 1 with or without immunodeficiency; POLYGLUCOSAN BODY MYOPATHY WITHOUT IMMUNODEFICIENCY. Identifiers: Orphanet 329173, Orphanet 397937, MedGen C4014605, MONDO:0014389, OMIM 615895.

Submission:

Labcorp Genetics (formerly Invitae), Labcorp
Classification: Uncertain significance for Polyglucosan body myopathy type 1. Last evaluated: 2022-02-20. Review status: criteria provided, single submitter. Criteria: Invitae Variant Classification Sherloc (09022015). Collection method: clinical testing. Allele origin: germline.
Comment: This sequence change replaces arginine, which is basic and polar, with leucine, which is neutral and non-polar, at codon 145 of the RBCK1 protein (p.Arg145Leu). The frequency data for this variant in the population databases is considered unreliable, as metrics indicate poor data quality at this position in the gnomAD database. This variant has not been reported in the literature in individuals affected with RBCK1-related conditions. Algorithms developed to predict the effect of missense changes on protein structure and function are either unavailable or do not agree on the potential impact of this missense change (SIFT: "Not Available"; PolyPhen-2: "Benign"; Align-GVGD: "Not Available"). In summary, the available evidence is currently insufficient to determine the role of this variant in disease. Therefore, it has been classified as a Variant of Uncertain Significance.